The following is an entry in ClinVar:

ClinVar aggregate classification (germline): Likely benign (1 of 4 stars; one submission).

Conditions:
CD2AP-related disorder. Also called: CD2AP-related condition.

gnomAD v4.1: 60 of 1,612,374 alleles (0.0037%); highest among the groups gnomAD compares: East Asian, 0.1%; no homozygotes.

Submission:

PreventionGenetics, part of Exact Sciences
Classification: Likely benign for CD2AP-related condition. Last evaluated: 2025-06-13. Review status: criteria provided, single submitter. Criteria: ACMG Guidelines, 2015. Collection method: clinical testing. Allele origin: germline.
Comment: This variant is classified as likely benign based on ACMG/AMP sequence variant interpretation guidelines (Richards et al. 2015 PMID: 25741868, with internal and published modifications).

NM_012120.3(CD2AP):c.381G>A (p.Leu127=)

Gene: CD2AP (CD2 associated protein; plus strand). Cytogenetic location: 6p12.3.
Variant type: single nucleotide variant.
Coding change: c.381G>A on transcript NM_012120.3 (MANE Select); coding-DNA position 381, G replaced by A.
Protein change: p.Leu127=; no amino-acid change (leucine 127 retained).
Molecular consequence: synonymous variant.
Genome position (GRCh38, 1-based): chr6:47,544,667, G>A. VCF-style: chr6-47544667-G-A. GRCh37 (hg19) VCF-style: chr6-47512403-G-A.
Identifiers: ClinVar variation 4978796 (VCV004978796.1).